The following is an entry in ClinVar:

NM_001098426.2(SMARCD2):c.972C>A (p.His324Gln)

Gene: SMARCD2 (SWI/SNF related BAF chromatin remodeling complex subunit D2; minus strand). Cytogenetic location: 17q23.3.
Variant type: single nucleotide variant.
Coding change: c.972C>A on transcript NM_001098426.2 (MANE Select); coding-DNA position 972, C replaced by A.
Protein change: p.His324Gln; replaces histidine 324 with glutamine.
Molecular consequence: missense variant.
Genome position (GRCh38, 1-based): chr17:63,834,278, G>T on the plus strand (C>A on the coding strand, the complement: SMARCD2 is on the minus strand). VCF-style: chr17-63834278-G-T. GRCh37 (hg19) VCF-style: chr17-61911638-G-T.
Other names: c.747C>A, p.His249Gln (NM_001330439.1); c.828C>A, p.His276Gln (NM_001330440.2); short protein forms H276Q, H249Q, H324Q.
Identifiers: ClinVar variation 871760 (VCV000871760.44), dbSNP rs375769485, ClinGen allele CA8706336.

ClinVar aggregate classification (germline): Uncertain significance. Review status: criteria provided, multiple submitters, no conflicts (2 of 4 stars). 3 submissions from 3 submitters: Uncertain significance (3). Last evaluated 2026-02-12.

Allele frequency attached by ClinVar (database versions not stated): gnomAD exomes 0.00004 and 0.00005; TOPMed 0.00004; gnomAD 0.00005 and 0.00006; ExAC 0.00007; ESP Exome Variant Server 0.00008.
gnomAD v4.1: 65 of 1,611,886 alleles (0.004%); highest among the groups gnomAD compares: Non-Finnish European, 0.0054%; no homozygotes.

Submissions (3):

Women's Health and Genetics/Laboratory Corporation of America, LabCorp
Classification: Uncertain significance. Last evaluated: 2026-02-12. Review status: criteria provided, single submitter. Criteria: LabCorp Variant Classification Summary - May 2015. Collection method: clinical testing. Allele origin: germline.
Comment: Variant summary: SMARCD2 c.972C>A (p.His324Gln) results in a non-conservative amino acid change in the encoded protein sequence. Algorithms developed to predict the effect of missense changes on protein structure and function are either unavailable or do not agree on the potential impact of this missense change. The variant allele was found at a frequency of 4.9e-05 in 244654 control chromosomes. This frequency is not significantly higher than estimated for disease-causing variants in SMARCD2, allowing no conclusion about variant significance. To our knowledge, no occurrence of c.972C>A in individuals affected with SMARCD2-related conditions and no experimental evidence demonstrating its impact on protein function have been reported. ClinVar contains an entry for this variant (Variation ID: 871760). Based on the evidence outlined above, the variant was classified as uncertain significance.

Labcorp Genetics (formerly Invitae), Labcorp
Classification: Uncertain significance. Last evaluated: 2022-09-12. Review status: criteria provided, single submitter. Criteria: Invitae Variant Classification Sherloc (09022015). Collection method: clinical testing. Allele origin: germline.
Comment: This sequence change replaces histidine, which is basic and polar, with glutamine, which is neutral and polar, at codon 324 of the SMARCD2 protein (p.His324Gln). This variant is present in population databases (rs375769485, gnomAD 0.008%). This variant has not been reported in the literature in individuals affected with SMARCD2-related conditions. ClinVar contains an entry for this variant (Variation ID: 871760). Advanced modeling of protein sequence and biophysical properties (such as structural, functional, and spatial information, amino acid conservation, physicochemical variation, residue mobility, and thermodynamic stability) performed at Invitae indicates that this missense variant is not expected to disrupt SMARCD2 protein function. In summary, the available evidence is currently insufficient to determine the role of this variant in disease. Therefore, it has been classified as a Variant of Uncertain Significance.

CeGaT Center for Human Genetics Tuebingen
Classification: Uncertain significance. Last evaluated: 2019-12-01. Review status: criteria provided, single submitter. Criteria: CeGaT Center For Human Genetics Tuebingen Variant Classification Criteria Version 2. Collection method: clinical testing. Allele origin: germline. Affected: yes. Observed: 1 variant allele.